The following is an entry in ClinVar:

NM_001267550.2(TTN):c.55290C>T (p.Pro18430=)

Genes: TTN (titin; minus strand), TTN-AS1 (TTN antisense RNA 1; plus strand). Cytogenetic location: 2q31.2.
Variant type: single nucleotide variant.
Coding change: c.55290C>T on transcript NM_001267550.2 (MANE Select); coding-DNA position 55290, C replaced by T.
Protein change: p.Pro18430=; no amino-acid change (proline 18430 retained).
Molecular consequence: synonymous variant.
Genome position (GRCh38, 1-based): chr2:178,601,894, G>A on the plus strand (C>T on the coding strand, the complement: TTN is on the minus strand). VCF-style: chr2-178601894-G-A. GRCh37 (hg19) VCF-style: chr2-179466621-G-A.
Other names: p.Pro15862=; c.50367C>T, p.Pro16789= (NM_001256850.1); c.28095C>T, p.Pro9365= (NM_003319.4); c.47586C>T, p.Pro15862= (NM_133378.4); c.28470C>T, p.Pro9490= (NM_133432.3); c.28671C>T, p.Pro9557= (NM_133437.4).
Identifiers: ClinVar variation 282102 (VCV000282102.28), dbSNP rs777904054, ClinGen allele CA1993495.

ClinVar aggregate classification (germline): Conflicting classifications of pathogenicity. Review status: criteria provided, conflicting classifications (1 of 4 stars). 7 submissions from 7 submitters: Uncertain significance (1); Likely benign (6). Last evaluated 2025-10-06.

Conditions:
TTN-related disorder. Also called: TTN-related condition; TTN-related disease; TTN-related disorders.
Autosomal recessive limb-girdle muscular dystrophy type 2J (LGMDR10). Also called: MUSCULAR DYSTROPHY, LIMB-GIRDLE, AUTOSOMAL RECESSIVE 10; Limb-girdle muscular dystrophy, type 2J. Identifiers: Orphanet 140922, MedGen C1837342, MONDO:0012127, OMIM 608807.
Dilated cardiomyopathy 1G (CMD1G). Identifiers: Orphanet 154, MedGen C1858763, MONDO:0011400, OMIM 604145.

Allele frequency attached by ClinVar (database versions not stated): gnomAD 0.00001; TOPMed 0.00001; ExAC 0.00002; gnomAD exomes 0.00003.
gnomAD v4.1: 37 of 1,611,378 alleles (0.0023%); highest among the groups gnomAD compares: Middle Eastern, 0.033%; no homozygotes.

Submissions (7):

Labcorp Genetics (formerly Invitae), Labcorp
Classification: Likely benign for Dilated cardiomyopathy 1G; Autosomal recessive limb-girdle muscular dystrophy type 2J. Last evaluated: 2025-10-06. Review status: criteria provided, single submitter. Criteria: Invitae Variant Classification Sherloc (09022015). Collection method: clinical testing. Allele origin: germline.

PreventionGenetics, part of Exact Sciences
Classification: Likely benign for TTN-related condition. Last evaluated: 2025-04-22. Review status: criteria provided, single submitter. Criteria: ACMG Guidelines, 2015. Collection method: clinical testing. Allele origin: germline.
Comment: This variant is classified as likely benign based on ACMG/AMP sequence variant interpretation guidelines (Richards et al. 2015 PMID: 25741868, with internal and published modifications).

Mayo Clinic Laboratories, Mayo Clinic
Classification: Likely benign. Last evaluated: 2025-02-27. Review status: criteria provided, single submitter. Criteria: ACMG Guidelines, 2015. Collection method: clinical testing. Allele origin: germline. Observed: 1 variant allele.
Comment: BP4, BP7

Women's Health and Genetics/Laboratory Corporation of America, LabCorp
Classification: Likely benign. Last evaluated: 2023-06-22. Review status: criteria provided, single submitter. Criteria: LabCorp Variant Classification Summary - May 2015. Collection method: clinical testing. Allele origin: germline.
Comment: Variant summary: TTN c.47586C>T alters a non-conserved nucleotide resulting in a synonymous change. 4/4 computational tools predict no significant impact on normal splicing. However, these predictions have yet to be confirmed by functional studies. The variant allele was found at a frequency of 2.8e-05 in 246664 control chromosomes. The available data on variant occurrences in the general population are insufficient to allow any conclusion about variant significance. To our knowledge, no occurrence of c.47586C>T in individuals affected with Limb-Girdle Muscular Dystrophy, Type 2J and no experimental evidence demonstrating its impact on protein function have been reported. Three submitters have cited clinical-significance assessments for this variant to ClinVar after 2014, classifying the variant as likely benign (n=2) or uncertain significance (n=1). Based on the evidence outlined above, the variant was classified as likely benign.

Blueprint Genetics
Classification: Likely benign. Last evaluated: 2020-12-12. Review status: criteria provided, single submitter. Criteria: ACMG Guidelines, 2015. Collection method: clinical testing. Allele origin: germline.

GeneDx
Classification: Likely benign. Last evaluated: 2018-01-24. Review status: criteria provided, single submitter. Criteria: GeneDx Variant Classification (06012015). Collection method: clinical testing. Allele origin: germline. Affected: yes.
Comment: This variant is considered likely benign or benign based on one or more of the following criteria: it is a conservative change, it occurs at a poorly conserved position in the protein, it is predicted to be benign by multiple in silico algorithms, and/or has population frequency not consistent with disease.

Eurofins Ntd Llc (ga)
Classification: Uncertain significance. Last evaluated: 2015-07-17. Review status: criteria provided, single submitter. Criteria: EGL Classification Definitions 2015. Collection method: clinical testing. Allele origin: germline. Observed: 1 variant allele, 1 heterozygote.